The following is an entry in ClinVar:

NM_001365536.1(SCN9A):c.258_258+81del

Gene: SCN9A (sodium voltage-gated channel alpha subunit 9; minus strand). Cytogenetic location: 2q24.3.
Variant type: Deletion.
Coding change: c.258_258+81del on transcript NM_001365536.1 (MANE Select); coding-DNA position 258 through 81 bases into the intron after coding-DNA position 258, 82 bases deleted.
Molecular consequence: splice donor variant.
Genome position (GRCh38, 1-based): chr2:166,311,418-166,311,499, 82 bases deleted. GRCh37 (hg19): chr2:167,167,931-167,168,012.
Other names: c.258_258+81del (NM_002977.4).
Identifiers: ClinVar variation 4787052 (VCV004787052.1).

ClinVar aggregate classification (germline): Likely pathogenic (1 of 4 stars; one submission).

Conditions:
Neuropathy, hereditary sensory and autonomic, type 2A (HSAN2A). Also called: WNK1-Related HSAN2 (HSAN2A); ACROOSTEOLYSIS, GIACCAI TYPE; ACROOSTEOLYSIS, NEUROGENIC; MORVAN DISEASE; NEUROPATHY, CONGENITAL SENSORY; NEUROPATHY, HEREDITARY SENSORY RADICULAR, AUTOSOMAL RECESSIVE. Identifiers: Orphanet 970, MedGen C2752089, MONDO:0024309, OMIM 201300.
Generalized epilepsy with febrile seizures plus, type 7 (GEFSP7). Also called: GEFS+, TYPE 7. Identifiers: Orphanet 36387, MedGen C2751778, MONDO:0013470, OMIM 613863.

Submission:

Labcorp Genetics (formerly Invitae), Labcorp
Classification: Likely pathogenic for Neuropathy, hereditary sensory and autonomic, type 2A; Generalized epilepsy with febrile seizures plus, type 7. Last evaluated: 2025-12-16. Review status: criteria provided, single submitter. Criteria: Invitae Variant Classification Sherloc (09022015). Collection method: clinical testing. Allele origin: germline.
Comment: This variant results in the deletion of part of exon 2 (c.258_258+81del) of the SCN9A gene. It is expected to disrupt RNA splicing. Variants that disrupt the donor or acceptor splice site typically lead to a loss of protein function (PMID: 16199547), and loss-of-function variants in SCN9A are known to be pathogenic (PMID: 17470132, 19304393). This variant is not present in population databases (gnomAD no frequency). This variant has not been reported in the literature in individuals affected with SCN9A-related conditions. In summary, the currently available evidence indicates that the variant is pathogenic, but additional data are needed to prove that conclusively. Therefore, this variant has been classified as Likely Pathogenic.

Literature cited by the submitters: PubMed 16199547; PubMed 17470132; PubMed 19304393.